The following is an entry in ClinVar:

ClinVar aggregate classification (germline): Uncertain significance. Review status: criteria provided, single submitter (1 of 4 stars). 2 submissions from 2 submitters: Uncertain significance (1). 1 of the submissions does not count toward it. Last evaluated 2025-02-27.

Conditions:
NYNRIN-related disorder. Also called: NYNRIN-related condition.

gnomAD v4.1: 3 of 1,603,922 alleles (0.00019%); highest among the groups gnomAD compares: Admixed American, 0.0034%; no homozygotes.

Submissions (2):

Ambry Genetics
Classification: Uncertain significance. Last evaluated: 2025-02-27. Review status: criteria provided, single submitter. Criteria: Ambry Variant Classification Scheme 2023. Collection method: clinical testing. Allele origin: germline.

PreventionGenetics, part of Exact Sciences
Classification: Uncertain significance for NYNRIN-related condition. Last evaluated: 2024-09-26. Review status: no assertion criteria provided. Collection method: clinical testing. Allele origin: germline. Not counted in ClinVar's aggregate classification.
Comment: The NYNRIN c.5158T>G variant is predicted to result in the amino acid substitution p.Trp1720Gly. To our knowledge, this variant has not been reported in the literature or in a large population database, indicating this variant is rare. At this time, the clinical significance of this variant is uncertain due to the absence of conclusive functional and genetic evidence.

NM_025081.3(NYNRIN):c.5158T>G (p.Trp1720Gly)

Gene: NYNRIN (NYN domain and retroviral integrase containing; plus strand). Cytogenetic location: 14q12.
Variant type: single nucleotide variant.
Coding change: c.5158T>G on transcript NM_025081.3 (MANE Select); coding-DNA position 5158, T replaced by G.
Protein change: p.Trp1720Gly; replaces tryptophan 1720 with glycine.
Molecular consequence: missense variant.
Genome position (GRCh38, 1-based): chr14:24,416,907, T>G. VCF-style: chr14-24416907-T-G. GRCh37 (hg19) VCF-style: chr14-24886113-T-G.
Other names: short protein forms W1720G.
Identifiers: ClinVar variation 3345458 (VCV003345458.2).